The following is an entry in ClinVar:

NM_000535.7(PMS2):c.2561C>T (p.Ala854Val)

Gene: PMS2 (PMS1 homolog 2, mismatch repair system component; minus strand). Cytogenetic location: 7p22.1.
Variant type: single nucleotide variant.
Coding change: c.2561C>T on transcript NM_000535.7 (MANE Select); coding-DNA position 2561, C replaced by T.
Protein change: p.Ala854Val; replaces alanine 854 with valine.
Molecular consequence: missense variant. On other transcripts: non-coding transcript variant (1).
Genome position (GRCh38, 1-based): chr7:5,973,427, G>A on the plus strand (C>T on the coding strand, the complement: PMS2 is on the minus strand). VCF-style: chr7-5973427-G-A. GRCh37 (hg19) VCF-style: chr7-6013058-G-A.
Other names: c.2156C>T, p.Ala719Val (NM_001322003.2, NM_001322004.2, NM_001322005.2); c.2405C>T, p.Ala802Val (NM_001322006.2); c.2243C>T, p.Ala748Val (NM_001322007.2, NM_001322008.2); c.2189C>T, p.Ala730Val (NM_001322009.2); c.2000C>T, p.Ala667Val (NM_001322010.2); c.1628C>T, p.Ala543Val (NM_001322011.2, NM_001322012.2); c.1988C>T, p.Ala663Val (NM_001322013.2); c.2594C>T, p.Ala865Val (NM_001322014.2); and 1 more; short protein forms A543V, A667V, A719V, A748V, A854V, A663V, A802V, A865V.
Identifiers: ClinVar variation 821481 (VCV000821481.4), dbSNP rs1583268949, ClinGen allele CA366734775.

ClinVar aggregate classification (germline): Uncertain significance (1 of 4 stars; one submission).

Conditions:
Hereditary cancer-predisposing syndrome. Also called: Neoplastic Syndromes, Hereditary; Tumor predisposition; Hereditary Cancer Syndrome; Hereditary neoplastic syndrome. Identifiers: Orphanet 140162, MedGen C0027672, MeSH D009386, MONDO:0015356.

Submission:

Ambry Genetics
Classification: Uncertain significance for Hereditary cancer-predisposing syndrome. Last evaluated: 2022-07-18. Review status: criteria provided, single submitter. Criteria: Ambry Variant Classification Scheme 2023. Collection method: clinical testing. Allele origin: germline.
Comment: The p.A854V variant (also known as c.2561C>T), located in coding exon 15 of the PMS2 gene, results from a C to T substitution at nucleotide position 2561. The alanine at codon 854 is replaced by valine, an amino acid with similar properties. This amino acid position is well conserved in available vertebrate species. In addition, the in silico prediction for this alteration is inconclusive. Since supporting evidence is limited at this time, the clinical significance of this alteration remains unclear.